The following is an entry in ClinVar:

NM_016553.5(NUP62):c.704C>G (p.Thr235Ser)

Genes: IL4I1 (interleukin 4 induced 1; minus strand), NUP62 (nucleoporin 62; minus strand). Cytogenetic location: 19q13.33.
Variant type: single nucleotide variant.
Coding change: c.704C>G on transcript NM_016553.5 (MANE Select); coding-DNA position 704, C replaced by G.
Protein change: p.Thr235Ser; replaces threonine 235 with serine.
Molecular consequence: missense variant. On other transcripts: intron variant (3).
Genome position (GRCh38, 1-based): chr19:49,909,104, G>C on the plus strand (C>G on the coding strand, the complement: NUP62 is on the minus strand). VCF-style: chr19-49909104-G-C. GRCh37 (hg19) VCF-style: chr19-50412361-G-C.
Other names: c.704C>G, p.Thr235Ser (NM_001193357.2, NM_012346.5, NM_153718.4 and 1 more transcripts); c.-227-4783C>G (NM_001258017.2, NM_172374.3); c.-285-4783C>G (NM_001258018.2); short protein forms T235S.
Identifiers: ClinVar variation 2464864 (VCV002464864.6), dbSNP rs113222331, ClinGen allele CA9589073.

ClinVar aggregate classification (germline): Uncertain significance. Review status: criteria provided, multiple submitters, no conflicts (2 of 4 stars). 2 submissions from 2 submitters: Uncertain significance (2). Last evaluated 2025-10-21.

Allele frequency attached by ClinVar (database versions not stated): ExAC 0.00004; TOPMed 0.00008; gnomAD 0.00007.
gnomAD v4.1: 366 of 1,612,358 alleles (0.023%); highest among the groups gnomAD compares: Non-Finnish European, 0.03%; no homozygotes.

Submissions (2):

Labcorp Genetics (formerly Invitae), Labcorp
Classification: Uncertain significance. Last evaluated: 2025-10-21. Review status: criteria provided, single submitter. Criteria: Invitae Variant Classification Sherloc (09022015). Collection method: clinical testing. Allele origin: germline.
Comment: This sequence change replaces threonine, which is neutral and polar, with serine, which is neutral and polar, at codon 235 of the NUP62 protein (p.Thr235Ser). This variant is present in population databases (rs113222331, gnomAD 0.009%). This variant has not been reported in the literature in individuals affected with NUP62-related conditions. ClinVar contains an entry for this variant (Variation ID: 2464864). An algorithm developed to predict the effect of missense changes on protein structure and function outputs the following: PolyPhen-2: "Benign". The serine amino acid residue is found in multiple mammalian species, which suggests that this missense change does not adversely affect protein function. In summary, the available evidence is currently insufficient to determine the role of this variant in disease. Therefore, it has been classified as a Variant of Uncertain Significance.

Ambry Genetics
Classification: Uncertain significance. Last evaluated: 2025-05-16. Review status: criteria provided, single submitter. Criteria: Ambry Variant Classification Scheme 2023. Collection method: clinical testing. Allele origin: germline.